The following is an entry in ClinVar:

ClinVar aggregate classification (germline): Uncertain significance (1 of 4 stars; one submission).

gnomAD v4.1: 1 of 1,614,152 alleles (0.000062%); highest among the groups gnomAD compares: South Asian, 0.0011%; no homozygotes.

Submission:

GeneDx
Classification: Uncertain significance. Last evaluated: 2026-02-09. Review status: criteria provided, single submitter. Criteria: GeneDx Variant Classification Process June 2021. Collection method: clinical testing. Allele origin: germline.
Comment: Not observed at significant frequency in large population cohorts (gnomAD); In silico analysis supports that this missense variant has a deleterious effect on protein structure/function; Has not been previously published as pathogenic or benign to our knowledge

NM_001273.5(CHD4):c.1345A>G (p.Met449Val)

Gene: CHD4 (chromodomain helicase DNA binding protein 4; minus strand). Cytogenetic location: 12p13.31.
Variant type: single nucleotide variant.
Coding change: c.1345A>G on transcript NM_001273.5 (MANE Select); coding-DNA position 1345, A replaced by G.
Protein change: p.Met449Val; replaces methionine 449 with valine.
Molecular consequence: missense variant.
Genome position (GRCh38, 1-based): chr12:6,599,910, T>C on the plus strand (A>G on the coding strand, the complement: CHD4 is on the minus strand). VCF-style: chr12-6599910-T-C. GRCh37 (hg19) VCF-style: chr12-6709076-T-C.
Other names: c.1324A>G, p.Met442Val (NM_001297553.2); c.1306A>G, p.Met436Val (NM_001363606.2); short protein forms M436V, M442V, M449V.
Identifiers: ClinVar variation 4976511 (VCV004976511.1).
Genomic context (GRCh38, chr12:6,599,910, plus strand): 5'-AAGGACAGGTATCACAGCAGAGCAGTTCCCCACCATCCTTGCAGACCCGACAGAATTCCA[T>C]ATGGTGGTCATCCTCCTCTTCGAGGTCTCCCCCAACCTCTTCCAGGATCTCCTCACCCTC-3'
Protein context (NP_001264.2, residues 439-459): GDLEEEDDHH[Met449Val]EFCRVCKDGG